The following is an entry in ClinVar:

ClinVar aggregate classification (germline): Uncertain significance. Review status: criteria provided, multiple submitters, no conflicts (2 of 4 stars). 2 submissions from 2 submitters: Uncertain significance (2). Last evaluated 2025-10-28.

Conditions:
Hyperlipidemia due to hepatic triglyceride lipase deficiency. Also called: LIPC DEFICIENCY. Identifiers: Orphanet 140905, MedGen C3151466, MONDO:0013533, OMIM 614025.

Allele frequency attached by ClinVar (database versions not stated): gnomAD 0.00016; gnomAD exomes 0.00018; TOPMed 0.00021; ExAC 0.00022; ESP Exome Variant Server 0.00023.
gnomAD v4.1: 241 of 1,611,398 alleles (0.015%); highest among the groups gnomAD compares: Middle Eastern, 0.28%; 2 homozygotes.

Submissions (2):

Labcorp Genetics (formerly Invitae), Labcorp
Classification: Uncertain significance. Last evaluated: 2025-10-28. Review status: criteria provided, single submitter. Criteria: Invitae Variant Classification Sherloc (09022015). Collection method: clinical testing. Allele origin: germline.
Comment: This sequence change replaces arginine, which is basic and polar, with histidine, which is basic and polar, at codon 477 of the LIPC protein (p.Arg477His). This variant is present in population databases (rs148828229, gnomAD 0.05%). This missense change has been observed in individual(s) with suspected genetic dyslipidemia (PMID: 36325899). ClinVar contains an entry for this variant (Variation ID: 316680). An algorithm developed to predict the effect of missense changes on protein structure and function outputs the following: PolyPhen-2: "Benign". The histidine amino acid residue is found in multiple mammalian species, which suggests that this missense change does not adversely affect protein function. In summary, the available evidence is currently insufficient to determine the role of this variant in disease. Therefore, it has been classified as a Variant of Uncertain Significance.

Illumina Laboratory Services, Illumina
Classification: Uncertain significance for Hyperlipidemia due to hepatic triglyceride lipase deficiency. Last evaluated: 2018-01-13. Review status: criteria provided, single submitter. Criteria: ICSL Variant Classification Criteria 13 December 2019. Collection method: clinical testing. Allele origin: germline.

Literature cited by the submitters: PubMed 36325899 (cited by Labcorp Genetics (formerly Invitae), Labcorp).

NM_000236.3(LIPC):c.1430G>A (p.Arg477His)

Gene: LIPC (lipase C, hepatic type; plus strand). Cytogenetic location: 15q21.3.
Variant type: single nucleotide variant.
Coding change: c.1430G>A on transcript NM_000236.3 (MANE Select); coding-DNA position 1430, G replaced by A.
Protein change: p.Arg477His; replaces arginine 477 with histidine.
Molecular consequence: missense variant.
Genome position (GRCh38, 1-based): chr15:58,568,757, G>A. VCF-style: chr15-58568757-G-A. GRCh37 (hg19) VCF-style: chr15-58860956-G-A.
Other names: short protein forms R477H.
Identifiers: ClinVar variation 316680 (VCV000316680.8), dbSNP rs148828229, ClinGen allele CA7585257.